The following is an entry in ClinVar:

ClinVar aggregate classification (germline): Uncertain significance. Review status: criteria provided, multiple submitters, no conflicts (2 of 4 stars). 3 submissions from 3 submitters: Uncertain significance (2). 1 of the submissions does not count toward it. Last evaluated 2023-09-01.

Conditions:
Fanconi anemia (FA). Also called: Fanconi's anemia. Identifiers: Orphanet 84, MedGen C0015625, MeSH D005199, MONDO:0019391.
Hereditary cancer-predisposing syndrome. Also called: Neoplastic Syndromes, Hereditary; Hereditary Cancer Syndrome; Tumor predisposition; Hereditary neoplastic syndrome. Identifiers: Orphanet 140162, MedGen C0027672, MeSH D009386, MONDO:0015356.

Submissions (3):

Labcorp Genetics (formerly Invitae), Labcorp
Classification: Uncertain significance for Fanconi anemia. Last evaluated: 2023-09-01. Review status: criteria provided, single submitter. Criteria: Invitae Variant Classification Sherloc (09022015). Collection method: clinical testing. Allele origin: germline.
Comment: In summary, the available evidence is currently insufficient to determine the role of this variant in disease. Therefore, it has been classified as a Variant of Uncertain Significance. Advanced modeling of protein sequence and biophysical properties (such as structural, functional, and spatial information, amino acid conservation, physicochemical variation, residue mobility, and thermodynamic stability) performed at Invitae indicates that this missense variant is not expected to disrupt FANCC protein function. ClinVar contains an entry for this variant (Variation ID: 946069). This variant has not been reported in the literature in individuals affected with FANCC-related conditions. This variant is not present in population databases (gnomAD no frequency). This sequence change replaces isoleucine, which is neutral and non-polar, with leucine, which is neutral and non-polar, at codon 114 of the FANCC protein (p.Ile114Leu).

Ambry Genetics
Classification: Uncertain significance for Hereditary cancer-predisposing syndrome. Last evaluated: 2021-07-09. Review status: criteria provided, single submitter. Criteria: Ambry Variant Classification Scheme 2023. Collection method: clinical testing. Allele origin: germline.
Comment: The p.I114L variant (also known as c.340A>T), located in coding exon 3 of the FANCC gene, results from an A to T substitution at nucleotide position 340. The isoleucine at codon 114 is replaced by leucine, an amino acid with highly similar properties. This amino acid position is conserved. In addition, this alteration is predicted to be tolerated by in silico analysis. Since supporting evidence is limited at this time, the clinical significance of this alteration remains unclear.

Natera, Inc.
Classification: Uncertain significance for Fanconi anemia. Last evaluated: 2020-08-10. Review status: no assertion criteria provided. Collection method: clinical testing. Allele origin: germline. Not counted in ClinVar's aggregate classification.

NM_000136.3(FANCC):c.340A>T (p.Ile114Leu)

Gene: FANCC (FA complementation group C; minus strand). Cytogenetic location: 9q22.32.
Variant type: single nucleotide variant.
Coding change: c.340A>T on transcript NM_000136.3 (MANE Select); coding-DNA position 340, A replaced by T.
Protein change: p.Ile114Leu; replaces isoleucine 114 with leucine.
Molecular consequence: missense variant.
Genome position (GRCh38, 1-based): chr9:95,240,654, T>A on the plus strand (A>T on the coding strand, the complement: FANCC is on the minus strand). VCF-style: chr9-95240654-T-A. GRCh37 (hg19) VCF-style: chr9-98002936-T-A.
Other names: c.340A>T, p.Ile114Leu (NM_001243743.2, NM_001243744.2); short protein forms I114L.
Identifiers: ClinVar variation 946069 (VCV000946069.13), dbSNP rs1830580247, ClinGen allele CA374339171.
Genomic context (GRCh38, chr9:95,240,654, plus strand): 5'-CTTTTAAATAATCAATTTAATTCAAAGAAGTGCAGAGCAAGATTTACTCTCTTACCTGTA[T>A]CCAGGAGTTAAGTTTTGATTGTCCAGAATTCTGTGGTTCTTTGTTAATTAGACAACATAA-3'
Protein context (NP_000127.2, residues 104-124): NSGQSKLNSW[Ile114Leu]QGVLSHILSA